The following is an entry in ClinVar:

ClinVar aggregate classification (germline): Conflicting classifications of pathogenicity. Review status: criteria provided, conflicting classifications (1 of 4 stars). 4 submissions from 4 submitters: Pathogenic (2); Likely pathogenic (1); Uncertain significance (1). Last evaluated 2026-02-09.

Conditions:
Autosomal recessive polycystic kidney disease (ARPKD). Also called: AR polycystic kidney disease. Identifiers: Orphanet 731, Orphanet 8378, MedGen C0085548, MeSH D017044, MONDO:0009889.

Submissions (4):

Women's Health and Genetics/Laboratory Corporation of America, LabCorp
Classification: Pathogenic for Autosomal recessive polycystic kidney disease. Last evaluated: 2026-02-09. Review status: criteria provided, single submitter. Criteria: LabCorp Variant Classification Summary - May 2015. Collection method: clinical testing. Allele origin: germline.
Comment: Variant summary: PKHD1 c.51A>G (p.Ala17Ala) alters a conserved nucleotide located close to a canonical splice site and therefore could affect mRNA splicing, leading to a significantly altered protein sequence. Computational tools predict a significant impact on normal splicing: Three predict the variant weakens a canonical 5' donor site. One predicts the variant creates a cryptic 3' acceptor site. At least one publication reports experimental evidence that this variant affects mRNA splicing, finding that the variant results in utilization of an alternative downstream splice donor site and leads to a frameshift (p.Val18GlyfsX3; e.g., Ebner_2017). The variant was absent in 251328 control chromosomes (gnomAD). At least one publication reports experimental evidence evaluating an impact on protein function, finding that the variant displays high penetrance and behaves as a loss-of-function mutation in vitro (e.g., Ebner_2017). The following publications have been ascertained in the context of this evaluation (PMID: 15698423, 35812281, 28364132). ClinVar contains an entry for this variant (Variation ID: 2136423). Based on the evidence outlined above, the variant was classified as pathogenic.

Natera, Inc.
Classification: Likely pathogenic for Autosomal recessive polycystic kidney disease. Last evaluated: 2025-05-29. Review status: criteria provided, single submitter. Criteria: Natera Variant Classification Schema (03/2026). Collection method: clinical testing. Allele origin: germline.
Comment: The c.51A>G variant in PKHD1 is a synonymous variant that does not alter the encoded amino acid at position 17 (p.A17=). This variant is rare in the general population with a frequency below the threshold expected for the associated phenotype(s). This variant has been observed in one or more individuals affected with the associated recessive disease, as either homozygous or compound heterozygous with a second variant (PMID: 28364132). Additionally, this variant has been observed to segregate in affected family members (PMID: 28364132). Functional studies show that this variant may disrupt protein function (PMID: 28364132). Computational prediction algorithms indicate this variant is likely to affect gene or protein function. Given the available evidence, this variant is classified as Likely Pathogenic.

Blueprint Genetics
Classification: Uncertain significance. Last evaluated: 2023-01-16. Review status: criteria provided, single submitter. Criteria: ACMG Guidelines, 2015. Collection method: clinical testing. Allele origin: germline.

Labcorp Genetics (formerly Invitae), Labcorp
Classification: Pathogenic for Autosomal recessive polycystic kidney disease. Last evaluated: 2022-10-23. Review status: criteria provided, single submitter. Criteria: Invitae Variant Classification Sherloc (09022015). Collection method: clinical testing. Allele origin: germline.
Comment: For these reasons, this variant has been classified as Pathogenic. Algorithms developed to predict the effect of sequence changes on RNA splicing suggest that this variant may disrupt the consensus splice site. This sequence change affects codon 17 of the PKHD1 mRNA. It is a 'silent' change, meaning that it does not change the encoded amino acid sequence of the PKHD1 protein. It affects a nucleotide within the consensus splice site. This variant is not present in population databases (gnomAD no frequency). This variant has been observed in individual(s) with autosomal recessive polycystic kidney disease (PMID: 28364132; Invitae). In at least one individual the data is consistent with being in trans (on the opposite chromosome) from a pathogenic variant. It has also been observed to segregate with disease in related individuals.

Literature cited by the submitters: PubMed 15698423 (cited by Women's Health and Genetics/Laboratory Corporation of America, LabCorp); PubMed 35812281 (cited by Women's Health and Genetics/Laboratory Corporation of America, LabCorp); PubMed 28364132 (cited by 3 submitters).

NM_138694.4(PKHD1):c.51A>G (p.Ala17=)

Gene: PKHD1 (PKHD1 ciliary IPT domain containing fibrocystin/polyductin; minus strand). Cytogenetic location: 6p12.2.
Variant type: single nucleotide variant.
Coding change: c.51A>G on transcript NM_138694.4 (MANE Select); coding-DNA position 51, A replaced by G.
Protein change: p.Ala17=; no amino-acid change (alanine 17 retained).
Molecular consequence: synonymous variant.
Genome position (GRCh38, 1-based): chr6:52,084,883, T>C on the plus strand (A>G on the coding strand, the complement: PKHD1 is on the minus strand). VCF-style: chr6-52084883-T-C. GRCh37 (hg19) VCF-style: chr6-51949681-T-C.
Other names: c.51A>G (NM_138694.3); c.51A>G, p.Ala17= (NM_170724.3).
Identifiers: ClinVar variation 2136423 (VCV002136423.8), dbSNP rs2533801001, ClinGen allele CA450421935.